The following is an entry in ClinVar:

ClinVar aggregate classification (germline): Uncertain significance (1 of 4 stars; one submission).

Conditions:
Hereditary cancer-predisposing syndrome. Also called: Neoplastic Syndromes, Hereditary; Tumor predisposition; Hereditary Cancer Syndrome; Hereditary neoplastic syndrome. Identifiers: Orphanet 140162, MedGen C0027672, MeSH D009386, MONDO:0015356.

Submission:

Ambry Genetics
Classification: Uncertain significance for Hereditary cancer-predisposing syndrome. Last evaluated: 2026-04-02. Review status: criteria provided, single submitter. Criteria: Ambry Variant Classification Scheme 2023. Collection method: clinical testing. Allele origin: germline.
Comment: The p.N284S variant (also known as c.851A>G), located in coding exon 5 of the CTNNA1 gene, results from an A to G substitution at nucleotide position 851. The asparagine at codon 284 is replaced by serine, an amino acid with highly similar properties. This amino acid position is conserved. In addition, this alteration is predicted to be tolerated by in silico analysis. Based on the available evidence, the clinical significance of this variant remains unclear.

NM_001903.5(CTNNA1):c.851A>G (p.Asn284Ser)

Gene: CTNNA1 (catenin alpha 1; plus strand). Cytogenetic location: 5q31.2.
Variant type: single nucleotide variant.
Coding change: c.851A>G on transcript NM_001903.5 (MANE Select); coding-DNA position 851, A replaced by G.
Protein change: p.Asn284Ser; replaces asparagine 284 with serine.
Molecular consequence: missense variant.
Genome position (GRCh38, 1-based): chr5:138,824,792, A>G. VCF-style: chr5-138824792-A-G. GRCh37 (hg19) VCF-style: chr5-138160481-A-G.
Other names: c.851A>G, p.Asn284Ser (NM_001290307.3, NM_001323982.2, NM_001323983.1 and 3 more transcripts); c.542A>G, p.Asn181Ser (NM_001290309.3); c.482A>G, p.Asn161Ser (NM_001290310.3); short protein forms N161S, N181S, N284S.
Identifiers: ClinVar variation 4869468 (VCV004869468.1).